The following is an entry in ClinVar:

ClinVar aggregate classification (germline): Conflicting classifications of pathogenicity. Review status: criteria provided, conflicting classifications (1 of 4 stars). 11 submissions from 11 submitters: Uncertain significance (7); Likely benign (4). Last evaluated 2025-04-09.

Conditions:
TTN-related disorder. Also called: TTN-related condition; TTN-related disease; TTN-related disorders.
Cardiovascular phenotype. Identifiers: MedGen CN230736.
Dilated cardiomyopathy 1G (CMD1G). Identifiers: Orphanet 154, MedGen C1858763, MONDO:0011400, OMIM 604145.
Autosomal recessive limb-girdle muscular dystrophy type 2J (LGMDR10). Also called: Limb-girdle muscular dystrophy, type 2J; MUSCULAR DYSTROPHY, LIMB-GIRDLE, AUTOSOMAL RECESSIVE 10. Identifiers: Orphanet 140922, MedGen C1837342, MONDO:0012127, OMIM 608807.

Allele frequency attached by ClinVar (database versions not stated): ESP Exome Variant Server 0.00008; ExAC 0.00010; gnomAD exomes 0.00010 and 0.00016; gnomAD 0.00012 and 0.00014; TOPMed 0.00014.
gnomAD v4.1: 244 of 1,613,890 alleles (0.015%); highest among the groups gnomAD compares: Non-Finnish European, 0.019%; no homozygotes.

Submissions (11):

Molecular Diagnostic Laboratory for Inherited Cardiovascular Disease, Montreal Heart Institute
Classification: Likely benign. Last evaluated: 2025-04-09. Review status: criteria provided, single submitter. Criteria: ACMG Guidelines, 2015. Collection method: clinical testing. Allele origin: germline. Affected: no.

PreventionGenetics, part of Exact Sciences
Classification: Likely benign for TTN-related condition. Last evaluated: 2025-03-20. Review status: criteria provided, single submitter. Criteria: ACMG Guidelines, 2015. Collection method: clinical testing. Allele origin: germline.
Comment: This variant is classified as likely benign based on ACMG/AMP sequence variant interpretation guidelines (Richards et al. 2015 PMID: 25741868, with internal and published modifications).

Women's Health and Genetics/Laboratory Corporation of America, LabCorp
Classification: Uncertain significance. Last evaluated: 2024-11-04. Review status: criteria provided, single submitter. Criteria: LabCorp Variant Classification Summary - May 2015. Collection method: clinical testing. Allele origin: germline.
Comment: Variant summary: TTN c.2731G>A (p.Val911Ile) results in a conservative amino acid change located in the near Z-disk domain of the encoded protein sequence. Five of five in-silico tools predict a benign effect of the variant on protein function. The variant allele was found at a frequency of 0.0001 in 251120 control chromosomes (gnomAD). This frequency is not significantly higher than estimated for a pathogenic variant in TTN causing Limb-Girdle Muscular Dystrophy, Type 2J, allowing no conclusion about variant significance. To our knowledge, no occurrence of c.2731G>A in individuals affected with Limb-Girdle Muscular Dystrophy, Type 2J and no experimental evidence demonstrating its impact on protein function have been reported. ClinVar contains an entry for this variant (Variation ID: 46846). Based on the evidence outlined above, the variant was classified as uncertain significance.

Blueprint Genetics
Classification: Likely benign. Last evaluated: 2024-09-09. Review status: criteria provided, single submitter. Criteria: ACMG Guidelines, 2015. Collection method: clinical testing. Allele origin: germline.

Revvity Omics, Revvity
Classification: Uncertain significance. Last evaluated: 2023-11-02. Review status: criteria provided, single submitter. Criteria: ACMG Guidelines, 2015. Collection method: clinical testing. Allele origin: germline.

Athena Diagnostics
Classification: Uncertain significance. Last evaluated: 2023-07-20. Review status: criteria provided, single submitter. Criteria: Athena Diagnostics Criteria. Collection method: clinical testing. Allele origin: unknown.
Comment: Available data are insufficient to determine the clinical significance of the variant at this time. The frequency of this variant in the general population is uninformative in assessment of its pathogenicity. Computational tools predict that this variant is not damaging.

CeGaT Center for Human Genetics Tuebingen
Classification: Uncertain significance. Last evaluated: 2022-04-01. Review status: criteria provided, single submitter. Criteria: CeGaT Center For Human Genetics Tuebingen Variant Classification Criteria Version 2. Collection method: clinical testing. Allele origin: germline. Affected: yes. Observed: 1 variant allele.
Comment: TTN: PM2, BP4

Ambry Genetics
Classification: Uncertain significance for Cardiovascular phenotype. Last evaluated: 2019-08-27. Review status: criteria provided, single submitter. Criteria: Ambry Variant Classification Scheme 2023. Collection method: clinical testing. Allele origin: germline.
Comment: The p.V865I variant (also known as c.2593G>A), located in coding exon 14 of the TTN gene, results from a G to A substitution at nucleotide position 2593. The valine at codon 865 is replaced by isoleucine, an amino acid with highly similar properties. This amino acid position is not well conserved in available vertebrate species, and isoleucine is the reference amino acid in other vertebrate species. In addition, this alteration is predicted to be tolerated by in silico analysis. Since supporting evidence is limited at this time, the clinical significance of this alteration remains unclear.

Labcorp Genetics (formerly Invitae), Labcorp
Classification: Uncertain significance for Dilated cardiomyopathy 1G; Autosomal recessive limb-girdle muscular dystrophy type 2J. Last evaluated: 2018-01-03. Review status: criteria provided, single submitter. Criteria: Invitae Variant Classification Sherloc (09022015). Collection method: clinical testing. Allele origin: germline.

Eurofins Ntd Llc (ga)
Classification: Uncertain significance. Last evaluated: 2016-03-02. Review status: criteria provided, single submitter. Criteria: EGL Classification Definitions 2015. Collection method: clinical testing. Allele origin: germline. Observed: 2 variant alleles, 2 heterozygotes.

Laboratory for Molecular Medicine, Mass General Brigham Personalized Medicine
Classification: Likely benign. Last evaluated: 2014-03-19. Review status: criteria provided, single submitter. Criteria: LMM Criteria. Collection method: clinical testing. Allele origin: germline. Observed: 2 variant alleles.
Comment: Val911Ile in exon16 of TTN: This variant has been identified in 1/4406 African A merican chromosomes by the NHLBI Exome Sequencing Project (dbSNP rs141961878). It is not expected to have clinical significan ce due to a lack of evolutionary conservation. Of note, 4 mammalian species (gib bon, pika, white rhinoceros, and tasmanian devil) have an isoleucine (Ile) at th is position despite high nearby amino acid conservation.

NM_001267550.2(TTN):c.2731G>A (p.Val911Ile)

Gene: TTN (titin; minus strand). Cytogenetic location: 2q31.2.
Variant type: single nucleotide variant.
Coding change: c.2731G>A on transcript NM_001267550.2 (MANE Select); coding-DNA position 2731, G replaced by A.
Protein change: p.Val911Ile; replaces valine 911 with isoleucine.
Molecular consequence: missense variant.
Genome position (GRCh38, 1-based): chr2:178,784,114, C>T on the plus strand (G>A on the coding strand, the complement: TTN is on the minus strand). VCF-style: chr2-178784114-C-T. GRCh37 (hg19) VCF-style: chr2-179648841-C-T.
Other names: c.2731G>A, p.Val911Ile (NM_133378.4, NM_001256850.1, NM_133379.5); c.2593G>A, p.Val865Ile (NM_003319.4, NM_133432.3, NM_133437.4); c.2731G>A (NM_001267550.1); short protein forms V911I, V865I.
Identifiers: ClinVar variation 46846 (VCV000046846.45), dbSNP rs141961878, ClinGen allele CA139343.